The following is an entry in ClinVar:

ClinVar aggregate classification (germline): Uncertain significance. Review status: criteria provided, multiple submitters, no conflicts (2 of 4 stars). 2 submissions from 2 submitters: Uncertain significance (2). Last evaluated 2025-10-06.

Conditions:
Neuropathy, hereditary sensory and autonomic, type 1C. Also called: HSAN IC; HSN IC. Identifiers: Orphanet 36386, MedGen C3150896, MONDO:0013337, OMIM 613640.
Inborn genetic diseases. Identifiers: MedGen C0950123, MeSH D030342.

Allele frequency attached by ClinVar (database versions not stated): gnomAD exomes below 0.00001 and 0.00001; TOPMed below 0.00001.
gnomAD v4.1: 2 of 1,537,908 alleles (0.00013%); highest among the groups gnomAD compares: South Asian, 0.0012%; no homozygotes.

Submissions (2):

Ambry Genetics
Classification: Uncertain significance for Inborn genetic diseases. Last evaluated: 2025-10-06. Review status: criteria provided, single submitter. Criteria: Ambry Variant Classification Scheme 2023. Collection method: clinical testing. Allele origin: germline.

Labcorp Genetics (formerly Invitae), Labcorp
Classification: Uncertain significance for Neuropathy, hereditary sensory and autonomic, type 1C. Last evaluated: 2022-08-23. Review status: criteria provided, single submitter. Criteria: Invitae Variant Classification Sherloc (09022015). Collection method: clinical testing. Allele origin: germline.
Comment: This variant has not been reported in the literature in individuals affected with SPTLC2-related conditions. The frequency data for this variant in the population databases is considered unreliable, as metrics indicate poor data quality at this position in the gnomAD database. This sequence change replaces glutamic acid, which is acidic and polar, with aspartic acid, which is acidic and polar, at codon 4 of the SPTLC2 protein (p.Glu4Asp). ClinVar contains an entry for this variant (Variation ID: 1057035). In summary, the available evidence is currently insufficient to determine the role of this variant in disease. Therefore, it has been classified as a Variant of Uncertain Significance. Algorithms developed to predict the effect of missense changes on protein structure and function output the following: SIFT: "Tolerated"; PolyPhen-2: "Benign"; Align-GVGD: "Class C0". The aspartic acid amino acid residue is found in multiple mammalian species, which suggests that this missense change does not adversely affect protein function.

NM_004863.4(SPTLC2):c.12G>T (p.Glu4Asp)

Gene: SPTLC2 (serine palmitoyltransferase long chain base subunit 2; minus strand). Cytogenetic location: 14q24.3.
Variant type: single nucleotide variant.
Coding change: c.12G>T on transcript NM_004863.4 (MANE Select); coding-DNA position 12, G replaced by T.
Protein change: p.Glu4Asp; replaces glutamic acid 4 with aspartic acid.
Molecular consequence: missense variant.
Genome position (GRCh38, 1-based): chr14:77,616,568, C>A on the plus strand (G>T on the coding strand, the complement: SPTLC2 is on the minus strand). VCF-style: chr14-77616568-C-A. GRCh37 (hg19) VCF-style: chr14-78082911-C-A.
Other names: c.12G>T (NM_004863.3); short protein forms E4D.
Identifiers: ClinVar variation 1057035 (VCV001057035.11), dbSNP rs780139760, ClinGen allele CA7289528.